The following is an entry in ClinVar:

NM_006892.4(DNMT3B):c.1325A>G (p.Asn442Ser)

Gene: DNMT3B (DNA methyltransferase 3 beta; plus strand). Cytogenetic location: 20q11.21.
Variant type: single nucleotide variant.
Coding change: c.1325A>G on transcript NM_006892.4 (MANE Select); coding-DNA position 1325, A replaced by G.
Protein change: p.Asn442Ser; replaces asparagine 442 with serine.
Molecular consequence: missense variant.
Genome position (GRCh38, 1-based): chr20:32,796,817, A>G. VCF-style: chr20-32796817-A-G. GRCh37 (hg19) VCF-style: chr20-31384623-A-G.
Other names: c.1139A>G, p.Asn380Ser (NM_001207055.2); c.1037A>G, p.Asn346Ser (NM_001207056.2); c.1265A>G, p.Asn422Ser (NM_175848.2, NM_175849.2); c.1301A>G, p.Asn434Ser (NM_175850.3); short protein forms N434S, N422S, N442S, N346S, N380S.
Identifiers: ClinVar variation 2127343 (VCV002127343.1), dbSNP rs1245224488, ClinGen allele CA408585768.

ClinVar aggregate classification (germline): Uncertain significance (1 of 4 stars; one submission).

Conditions:
Centromeric instability of chromosomes 1,9 and 16 and immunodeficiency (ICF1). Also called: CENTROMERIC INSTABILITY, IMMUNODEFICIENCY SYNDROME; Immunodeficiency-centromeric instability-facial anomalies; IMMUNE DEFICIENCY, VARIABLE, WITH CENTROMERIC INSTABILITY OF CHROMOSOMES 1, 9, AND 16; IMMUNODEFICIENCY SYNDROME, VARIABLE. Identifiers: Orphanet 2268, MedGen C0398788, MONDO:0000133.

Submission:

Labcorp Genetics (formerly Invitae), Labcorp
Classification: Uncertain significance for Centromeric instability of chromosomes 1,9 and 16 and immunodeficiency. Last evaluated: 2022-06-07. Review status: criteria provided, single submitter. Criteria: Invitae Variant Classification Sherloc (09022015). Collection method: clinical testing. Allele origin: germline.
Comment: This sequence change replaces asparagine, which is neutral and polar, with serine, which is neutral and polar, at codon 442 of the DNMT3B protein (p.Asn442Ser). This variant is not present in population databases (gnomAD no frequency). This variant has not been reported in the literature in individuals affected with DNMT3B-related conditions. Algorithms developed to predict the effect of missense changes on protein structure and function output the following: SIFT: "Deleterious"; PolyPhen-2: "Benign"; Align-GVGD: "Class C0". The serine amino acid residue is found in multiple mammalian species, which suggests that this missense change does not adversely affect protein function. In summary, the available evidence is currently insufficient to determine the role of this variant in disease. Therefore, it has been classified as a Variant of Uncertain Significance.